The following is an entry in ClinVar:

NM_001129.5(AEBP1):c.2542G>A (p.Gly848Arg)

Gene: AEBP1 (AE binding protein 1; plus strand). Cytogenetic location: 7p13.
Variant type: single nucleotide variant.
Coding change: c.2542G>A on transcript NM_001129.5 (MANE Select); coding-DNA position 2542, G replaced by A.
Protein change: p.Gly848Arg; replaces glycine 848 with arginine.
Molecular consequence: missense variant.
Genome position (GRCh38, 1-based): chr7:44,112,882, G>A. VCF-style: chr7-44112882-G-A. GRCh37 (hg19) VCF-style: chr7-44152481-G-A.
Other names: short protein forms G848R.
Identifiers: ClinVar variation 2747478 (VCV002747478.3), dbSNP rs2484359869, ClinGen allele CA367371617.

ClinVar aggregate classification (germline): Uncertain significance (1 of 4 stars; one submission).

Allele frequency attached by ClinVar (database versions not stated): gnomAD exomes below 0.00001.

Submission:

Labcorp Genetics (formerly Invitae), Labcorp
Classification: Uncertain significance. Last evaluated: 2023-11-29. Review status: criteria provided, single submitter. Criteria: Invitae Variant Classification Sherloc (09022015). Collection method: clinical testing. Allele origin: germline.
Comment: This sequence change replaces glycine, which is neutral and non-polar, with arginine, which is basic and polar, at codon 848 of the AEBP1 protein (p.Gly848Arg). This variant is not present in population databases (gnomAD no frequency). This variant has not been reported in the literature in individuals affected with AEBP1-related conditions. An algorithm developed to predict the effect of missense changes on protein structure and function (PolyPhen-2) suggests that this variant is likely to be disruptive. In summary, the available evidence is currently insufficient to determine the role of this variant in disease. Therefore, it has been classified as a Variant of Uncertain Significance.